The following is an entry in ClinVar:

NM_020182.5(PMEPA1):c.624dup (p.Ser209fs)

Gene: PMEPA1 (prostate transmembrane protein, androgen induced 1; minus strand). Cytogenetic location: 20q13.31.
Variant type: Duplication.
Coding change: c.624dup on transcript NM_020182.5 (MANE Select); coding-DNA position 624, one base duplicated (C; older notation c.624dupC).
Protein change: p.Ser209fs; shifts the reading frame from serine 209.
Molecular consequence: frameshift variant.
Genome position (GRCh38, 1-based): chr20:57,652,293, G duplicated on the plus strand (C on the coding strand, the reverse complement: PMEPA1 is on the minus strand); the first of 7 consecutive G bases (chr20:57,652,293-57,652,299); duplicating any one gives the same sequence. VCF-style (leftmost placement, unchanged base first): chr20-57652292-T-TG. GRCh37 (hg19) VCF-style: chr20-56227348-T-TG.
Other names: c.540dup, p.Ser181fs (NM_001255976.2); c.519dup, p.Ser174fs (NM_199169.3); c.474dup, p.Ser159fs (NM_199170.3, NM_199171.3); c.624dupC (NM_020182.5); short protein forms S159fs, S174fs, S181fs, S209fs.
Identifiers: ClinVar variation 3773783 (VCV003773783.1).

ClinVar aggregate classification (germline): Uncertain significance (1 of 4 stars; one submission).

Conditions:
Hereditary disorder of connective tissue. Also called: Hereditary connective tissue disorder. Identifiers: MedGen C0410787, MONDO:0023603.

Submission:

Molecular Genetics, Royal Melbourne Hospital
Classification: Uncertain significance for Hereditary disorder of connective tissue. Last evaluated: 2025-01-07. Review status: criteria provided, single submitter. Criteria: ACMG Guidelines, 2015. Collection method: clinical testing. Allele origin: germline. Inheritance: Autosomal dominant inheritance. Affected: yes.
Comment: This sequence change in PMEPA1 results in the insertion of a cytosine within a cytosine-rich stretch in the last biologically relevant exon (4/4), causing a frameshift predicted to create a premature stop codon, p.(Ser209Glnfs*3), that is expected to escape nonsense-mediated decay. The highest population minor allele frequency in the population database gnomAD v4.1 is 0.03% (18/60,336 alleles) in the European Finnish population, inconsistent with dominant disease. Whereas, the highest non-bottleneck population minor allele frequency is 0.00008% (1/1,179,610 alleles) in the European (non-Finnish) population. This variant has been reported in at least 6 probands/families with a connective tissue disorder-like phenotype and segregates with disease in these families (PMID: 36928819). The prevalence of the variant in individuals with a connective tissue-like phenotype is significantly increased compared with the prevalence in the population (3 in 574 case genotypes vs 1 in 589,805 control genotypes; odds ratio 3,098, 95%CI=321-2,9834; PMID: 36928819, gnomAD v4.1). This variant has been proposed to lead to loss of the PPxY interaction motif, affecting binding between PMEPA1 and SMAD2/3 and altering TGF-β signalling via a gain-of function mechanism (PMID: 36928819). However, functional studies have not been performed to confirm this prediction. Based on the classification scheme RMH Modified ACMG/AMP Guidelines v1.7.1, this variant is classified as VARIANT OF UNCERTAIN SIGNIFICANCE in a GENE OF UNCERTAIN SIGNIFICANCE. Following criteria are met: PP1_Strong, PS4_Supporting.

Literature cited by the submitters: PubMed 36928819.